The following is an entry in ClinVar:

ClinVar aggregate classification (germline): Uncertain significance (1 of 4 stars; one submission).

Submission:

GeneDx
Classification: Uncertain significance. Last evaluated: 2023-11-27. Review status: criteria provided, single submitter. Criteria: GeneDx Variant Classification Process June 2021. Collection method: clinical testing. Allele origin: germline. Affected: yes.
Comment: Has not been previously published as pathogenic or benign to our knowledge; Not observed at significant frequency in large population cohorts (gnomAD); In silico analysis supports that this missense variant does not alter protein structure/function; Variants in candidate genes are classified as variants of uncertain significance in accordance with ACMG guidelines (PMID: 25741868)

NM_004446.3(EPRS1):c.3797A>G (p.Gln1266Arg)

Gene: EPRS1 (glutamyl-prolyl-tRNA synthetase 1; minus strand). Cytogenetic location: 1q41.
Variant type: single nucleotide variant.
Coding change: c.3797A>G on transcript NM_004446.3 (MANE Select); coding-DNA position 3797, A replaced by G.
Protein change: p.Gln1266Arg; replaces glutamine 1266 with arginine.
Molecular consequence: missense variant.
Genome position (GRCh38, 1-based): chr1:219,979,530, T>C on the plus strand (A>G on the coding strand, the complement: EPRS1 is on the minus strand). VCF-style: chr1-219979530-T-C. GRCh37 (hg19) VCF-style: chr1-220152872-T-C.
Other names: short protein forms Q1266R.
Identifiers: ClinVar variation 3364656 (VCV003364656.1).